The following is an entry in ClinVar:

ClinVar aggregate classification (germline): Pathogenic/Likely pathogenic. Review status: criteria provided, multiple submitters, no conflicts (2 of 4 stars). 8 submissions from 8 submitters: Pathogenic (5); Likely pathogenic (2). 1 of the submissions does not count toward it. Last evaluated 2026-09-02.

Conditions:
Myopathy, distal, 5 (MPD5). Also called: Adenylosuccinate synthetase-like 1-related distal myopathy. Identifiers: Orphanet 482601, MedGen C5567521, MONDO:0014877, OMIM 617030.
ADSS1-related disorder. Also called: ADSS1-related condition.

Allele frequency attached by ClinVar (database versions not stated): gnomAD 0.00003; ESP Exome Variant Server 0.00008; TOPMed 0.00002; ExAC 0.00003; gnomAD exomes 0.00002 and 0.00003.

Submissions (8):

GeneDx
Classification: Pathogenic. Last evaluated: 2026-09-02. Review status: criteria provided, single submitter. Criteria: GeneDx Variant Classification Process June 2021. Collection method: clinical testing. Allele origin: germline.
Comment: Published functional studies demonstrate a damaging effect with reduced enzymatic activity compared to the wild type in vitro. In addition, D304N mRNAs injected into zebrafish embryos resulted in a defective skeletal muscle phenotype (PMID: 26506222); This variant is associated with the following publications: (PMID: 34635388, 39843441, 28268051, 30853170, 32331917, 34103343, 32646962, 35387801, 26506222, 39609445, 38229919, 37682022, 39472908, 38544359, 39593137, 41973717)

Labcorp Genetics (formerly Invitae), Labcorp
Classification: Pathogenic. Last evaluated: 2025-11-18. Review status: criteria provided, single submitter. Criteria: Invitae Variant Classification Sherloc (09022015). Collection method: clinical testing. Allele origin: germline.
Comment: This sequence change replaces aspartic acid, which is acidic and polar, with asparagine, which is neutral and polar, at codon 304 of the ADSSL1 protein (p.Asp304Asn). This variant is present in population databases (rs140614802, gnomAD 0.01%). This missense change has been observed in individuals with distal myopathy (PMID: 26506222, 32331917). It has also been observed to segregate with disease in related individuals. ClinVar contains an entry for this variant (Variation ID: 243025). An algorithm developed to predict the effect of missense changes on protein structure and function (PolyPhen-2) suggests that this variant is likely to be disruptive. Experimental studies have shown that this missense change affects ADSSL1 function (PMID: 26506222). For these reasons, this variant has been classified as Pathogenic.

PreventionGenetics, part of Exact Sciences
Classification: Pathogenic for ADSS1-related condition. Last evaluated: 2023-01-30. Review status: criteria provided, single submitter. Criteria: ACMG Guidelines, 2015. Collection method: clinical testing. Allele origin: germline.
Comment: The ADSS1 c.910G>A variant is predicted to result in the amino acid substitution p.Asp304Asn. This variant was reported in the homozygous and compound heterozygous states in multiple individuals with myopathy (Mroczek et al. 2020. PubMed ID: 32331917; Park et al. 2016. PubMed ID: 26506222). Functional studies showed the the variant led to decreased enzyme activity (Park et al. 2016. PubMed ID: 26506222). This variant is reported in 0.014% of alleles in individuals of South Asian descent in gnomAD. This variant is interpreted as pathogenic.

Broad Center for Mendelian Genomics, Broad Institute of MIT and Harvard
Classification: Likely pathogenic for Myopathy, distal, 5. Last evaluated: 2022-05-04. Review status: criteria provided, single submitter. Criteria: ACMG Guidelines, 2015. Collection method: curation. Allele origin: germline. Inheritance: Autosomal recessive inheritance.
Comment: The variant has been reported in 4 Korean individuals with distal myopathy 5 (PMID: 26506222), segregated with disease in 4 affected relatives from 2 families (PMID: 26506222), and has been identified in 0.01% (4/28258) of South Asian, 0.01% (2/17392) of East Asian, and 0.006% (1/15946) of African chromosomes by the Genome Aggregation Database (gnomAD; dbSNP ID: rs140614802). Although this variant has been seen in the general population, its frequency is not high enough to rule out a pathogenic role. This variant has also been reported in ClinVar (Variation ID: 243025) as pathogenic by NIH Undiagnosed Diseases Network and OMIM, and as likely pathogenic by Fulgent Genetics. Animal models in zebrafish have shown that this variant causes distal myopathy 5 (PMID: 26506222). Computational prediction tools and conservation analyses do not provide strong support for or against an impact to the protein. The presence of this variant in 1 affected homozygote, in combination with a reported variant of uncertain significance that is confirmed in trans, and in 4 individuals with distal myopathy 5 increases the likelihood that the p.Asp304Asn variant is pathogenic (Variation ID: 243026, PMID: 26506222). In summary, although additional studies are required to fully establish its clinical significance, this variant is likely pathogenic. ACMG/AMP Criteria applied: PS3, PM3, PP1 (Richards 2015).

Fulgent Genetics
Classification: Likely pathogenic for Myopathy, distal, 5. Last evaluated: 2022-01-29. Review status: criteria provided, single submitter. Criteria: ACMG Guidelines, 2015. Collection method: clinical testing. Allele origin: unknown.

Undiagnosed Diseases Network, NIH
Classification: Pathogenic for Myopathy, distal, 5. Last evaluated: 2018-01-09. Review status: criteria provided, single submitter. Criteria: ACMG Guidelines, 2015. Collection method: clinical testing. Allele origin: inherited. Inheritance: Autosomal recessive inheritance. Affected: yes. Observed: 1 variant allele, 1 homozygote. Study: Undiagnosed Diseases Network (NIH), UDN.

Neuberg Centre For Genomic Medicine, NCGM
Classification: Pathogenic for Myopathy, distal, 5. Review status: criteria provided, single submitter. Criteria: ACMG Guidelines, 2015. Collection method: clinical testing. Allele origin: germline. Inheritance: Autosomal dominant inheritance. Affected: yes.
Comment: Experimental studies have shown that this missense change affects ADSSL1 function and leads to decreased enzyme activity (Park et al. 2016).

OMIM
Classification: Pathogenic for MYOPATHY, DISTAL, 5. Last evaluated: 2016-07-15. Review status: no assertion criteria provided. Collection method: literature only. Allele origin: germline. Not counted in ClinVar's aggregate classification.

Literature cited by the submitters: PubMed 26506222 (cited by Labcorp Genetics (formerly Invitae), Labcorp and OMIM); PubMed 32331917 (cited by Labcorp Genetics (formerly Invitae), Labcorp).

NM_152328.5(ADSS1):c.781G>A (p.Asp261Asn)

Gene: ADSS1 (adenylosuccinate synthase 1; plus strand). Cytogenetic location: 14q32.33.
Variant type: single nucleotide variant.
Coding change: c.781G>A on transcript NM_152328.5 (MANE Select); coding-DNA position 781, G replaced by A.
Protein change: p.Asp261Asn; replaces aspartic acid 261 with asparagine.
Molecular consequence: missense variant.
Genome position (GRCh38, 1-based): chr14:104,741,231, G>A. VCF-style: chr14-104741231-G-A. GRCh37 (hg19) VCF-style: chr14-105207568-G-A.
Other names: NM_199165.2(ADSS1):c.910G>A; c.166G>A, p.Asp56Asn (NM_001320424.1); c.910G>A, p.Asp304Asn (NM_199165.2); c.781G>A (NM_152328.4); short protein forms D304N, D261N, D56N.
Identifiers: ClinVar variation 243025 (VCV000243025.22), dbSNP rs140614802, ClinGen allele CA7373844.